The following is an entry in ClinVar:

NM_000214.3(JAG1):c.3000C>T (p.Ile1000=)

Gene: JAG1 (jagged canonical Notch ligand 1; minus strand). Cytogenetic location: 20p12.2.
Variant type: single nucleotide variant.
Coding change: c.3000C>T on transcript NM_000214.3 (MANE Select); coding-DNA position 3000, C replaced by T.
Protein change: p.Ile1000=; no amino-acid change (isoleucine 1000 retained).
Molecular consequence: synonymous variant.
Genome position (GRCh38, 1-based): chr20:10,641,161, G>A on the plus strand (C>T on the coding strand, the complement: JAG1 is on the minus strand). VCF-style: chr20-10641161-G-A. GRCh37 (hg19) VCF-style: chr20-10621809-G-A.
Other names: c.3000C>T (NM_000214.2).
Identifiers: ClinVar variation 1536039 (VCV001536039.11), dbSNP rs373759023, ClinGen allele CA9764330.

ClinVar aggregate classification (germline): Likely benign. Review status: criteria provided, multiple submitters, no conflicts (2 of 4 stars). 3 submissions from 3 submitters: Likely benign (2). 1 of the submissions does not count toward it. Last evaluated 2025-11-02.

Conditions:
Alagille syndrome due to a JAG1 point mutation. Also called: JAG1-Related Alagille Syndrome; Alagille Syndrome 1; HEPATIC DUCTULAR HYPOPLASIA, SYNDROMATIC. Identifiers: Orphanet 261619, Orphanet 52, MedGen C1956125, MONDO:0016862, OMIM 118450.
JAG1-related disorder. Also called: JAG1-related condition; JAG1-related disorders.

Allele frequency attached by ClinVar (database versions not stated): ExAC 0.00004.
gnomAD v4.1: 27 of 1,613,870 alleles (0.0017%); highest among the groups gnomAD compares: East Asian, 0.0045%; no homozygotes.

Submissions (3):

Labcorp Genetics (formerly Invitae), Labcorp
Classification: Likely benign for Alagille syndrome due to a JAG1 point mutation. Last evaluated: 2025-11-02. Review status: criteria provided, single submitter. Criteria: Invitae Variant Classification Sherloc (09022015). Collection method: clinical testing. Allele origin: germline.

Blueprint Genetics
Classification: Likely benign. Last evaluated: 2023-03-23. Review status: criteria provided, single submitter. Criteria: ACMG Guidelines, 2015. Collection method: clinical testing. Allele origin: germline.

PreventionGenetics, part of Exact Sciences
Classification: Likely benign for JAG1-related condition. Last evaluated: 2024-02-21. Review status: no assertion criteria provided. Collection method: clinical testing. Allele origin: germline. Not counted in ClinVar's aggregate classification.
Comment: This variant is classified as likely benign based on ACMG/AMP sequence variant interpretation guidelines (Richards et al. 2015 PMID: 25741868, with internal and published modifications).